The following is an entry in ClinVar:

ClinVar aggregate classification (germline): Uncertain significance (1 of 4 stars; one submission).

Allele frequency attached by ClinVar (database versions not stated): gnomAD exomes below 0.00001; gnomAD 0.00001; TOPMed 0.00001.
gnomAD v4.1: 3 of 1,594,054 alleles (0.00019%); highest among the groups gnomAD compares: Non-Finnish European, 0.00026%; no homozygotes.

Submission:

Labcorp Genetics (formerly Invitae), Labcorp
Classification: Uncertain significance. Last evaluated: 2025-07-10. Review status: criteria provided, single submitter. Criteria: Invitae Variant Classification Sherloc (09022015). Collection method: clinical testing. Allele origin: germline.
Comment: This sequence change replaces alanine, which is neutral and non-polar, with serine, which is neutral and polar, at codon 609 of the PLK4 protein (p.Ala609Ser). This variant is present in population databases (no rsID available, gnomAD 0.0009%). This variant has not been reported in the literature in individuals affected with PLK4-related conditions. ClinVar contains an entry for this variant (Variation ID: 1479790). An algorithm developed to predict the effect of missense changes on protein structure and function (PolyPhen-2) suggests that this variant is likely to be disruptive. In summary, the available evidence is currently insufficient to determine the role of this variant in disease. Therefore, it has been classified as a Variant of Uncertain Significance.

NM_014264.5(PLK4):c.1825G>T (p.Ala609Ser)

Gene: PLK4 (polo like kinase 4; plus strand). Cytogenetic location: 4q28.1.
Variant type: single nucleotide variant.
Coding change: c.1825G>T on transcript NM_014264.5 (MANE Select); coding-DNA position 1825, G replaced by T.
Protein change: p.Ala609Ser; replaces alanine 609 with serine.
Molecular consequence: missense variant.
Genome position (GRCh38, 1-based): chr4:127,890,231, G>T. VCF-style: chr4-127890231-G-T. GRCh37 (hg19) VCF-style: chr4-128811386-G-T.
Other names: c.1729G>T, p.Ala577Ser (NM_001190799.2); c.1702G>T, p.Ala568Ser (NM_001190801.2); short protein forms A568S, A577S, A609S.
Identifiers: ClinVar variation 1479790 (VCV001479790.5), dbSNP rs1040948999, ClinGen allele CA105639295.